The following is an entry in ClinVar:

NM_001458.5(FLNC):c.7037G>A (p.Gly2346Asp)

Genes: FLNC (filamin C; plus strand), FLNC-AS1 (FLNC antisense RNA 1; minus strand). Cytogenetic location: 7q32.1.
Variant type: single nucleotide variant.
Coding change: c.7037G>A on transcript NM_001458.5 (MANE Select); coding-DNA position 7037, G replaced by A.
Protein change: p.Gly2346Asp; replaces glycine 2346 with aspartic acid.
Molecular consequence: missense variant.
Genome position (GRCh38, 1-based): chr7:128,854,814, G>A. VCF-style: chr7-128854814-G-A. GRCh37 (hg19) VCF-style: chr7-128494868-G-A.
Other names: c.6938G>A, p.Gly2313Asp (NM_001127487.2); short protein forms G2313D, G2346D.
Identifiers: ClinVar variation 2441488 (VCV002441488.4), dbSNP rs2536665890, ClinGen allele CA369215015.

ClinVar aggregate classification (germline): Uncertain significance. Review status: criteria provided, multiple submitters, no conflicts (2 of 4 stars). 2 submissions from 2 submitters: Uncertain significance (2). Last evaluated 2026-03-31.

Allele frequency attached by ClinVar (database versions not stated): gnomAD exomes below 0.00001.
gnomAD v4.1: 1 of 1,614,166 alleles (0.000062%); highest among the groups gnomAD compares: Non-Finnish European, 0.000085%; no homozygotes.

Submissions (2):

GeneDx
Classification: Uncertain significance. Last evaluated: 2026-03-31. Review status: criteria provided, single submitter. Criteria: GeneDx Variant Classification Process June 2021. Collection method: clinical testing. Allele origin: germline.
Comment: Not observed at significant frequency in large population cohorts (gnomAD); In silico analysis supports that this missense variant has a deleterious effect on protein structure/function; Has not been previously published as pathogenic or benign to our knowledge

Revvity Omics, Revvity
Classification: Uncertain significance. Last evaluated: 2021-03-04. Review status: criteria provided, single submitter. Criteria: ACMG Guidelines, 2015. Collection method: clinical testing. Allele origin: germline.